The following is an entry in ClinVar:

NM_018122.5(DARS2):c.1128+128A>G

Gene: DARS2 (aspartyl-tRNA synthetase 2, mitochondrial; plus strand). Cytogenetic location: 1q25.1.
Variant type: single nucleotide variant.
Coding change: c.1128+128A>G on transcript NM_018122.5 (MANE Select); 128 bases into the intron after coding-DNA position 1128, A replaced by G.
Molecular consequence: intron variant.
Genome position (GRCh38, 1-based): chr1:173,841,101, A>G. VCF-style: chr1-173841101-A-G. GRCh37 (hg19) VCF-style: chr1-173810239-A-G.
Other names: c.1128+128A>G (NM_001365212.1, NM_001365213.2).
Identifiers: ClinVar variation 673473 (VCV000673473.2), dbSNP rs6675762, ClinGen allele CA32775004.

ClinVar aggregate classification (germline): Benign. Review status: criteria provided, multiple submitters, no conflicts (2 of 4 stars). 2 submissions from 2 submitters: Benign (2). Last evaluated 2018-06-16.

Allele frequency attached by ClinVar (database versions not stated): gnomAD exomes 0.01338; gnomAD 0.09138 and 0.09765; TOPMed 0.10305; 1000 Genomes Project 0.11242; 1000 Genomes Project 30x 0.11914.
gnomAD v4.1: 21,793 of 713,056 alleles (3.1%); highest among the groups gnomAD compares: African/African-American, 31%; 2,886 homozygotes.

Submissions (2):

GeneDx
Classification: Benign. Last evaluated: 2018-06-16. Review status: criteria provided, single submitter. Criteria: GeneDx Variant Classification (06012015). Collection method: clinical testing. Allele origin: germline. Affected: yes.
Comment: This variant is considered likely benign or benign based on one or more of the following criteria: it is a conservative change, it occurs at a poorly conserved position in the protein, it is predicted to be benign by multiple in silico algorithms, and/or has population frequency not consistent with disease.

Breakthrough Genomics
Classification: Benign. Review status: criteria provided, single submitter. Criteria: ACMG Guidelines, 2015. Collection method: not provided. Allele origin: germline. Inheritance: Autosomal recessive inheritance. Affected: yes.